The following is an entry in ClinVar:

NM_004260.4(RECQL4):c.1023C>T (p.Ile341=)

Gene: RECQL4 (RecQ like helicase 4; minus strand). Cytogenetic location: 8q24.3.
Variant type: single nucleotide variant.
Coding change: c.1023C>T on transcript NM_004260.4 (MANE Select); coding-DNA position 1023, C replaced by T.
Protein change: p.Ile341=; no amino-acid change (isoleucine 341 retained).
Molecular consequence: synonymous variant.
Genome position (GRCh38, 1-based): chr8:144,516,096, G>A on the plus strand (C>T on the coding strand, the complement: RECQL4 is on the minus strand). VCF-style: chr8-144516096-G-A. GRCh37 (hg19) VCF-style: chr8-145741480-G-A.
Identifiers: ClinVar variation 459292 (VCV000459292.17), dbSNP rs371421344, ClinGen allele CA4949111.

ClinVar aggregate classification (germline): Likely benign. Review status: criteria provided, multiple submitters, no conflicts (2 of 4 stars). 3 submissions from 3 submitters: Likely benign (3). Last evaluated 2026-01-26.

Conditions:
Inborn genetic diseases. Identifiers: MedGen C0950123, MeSH D030342.
Baller-Gerold syndrome (BGS). Also called: CRANIOSYNOSTOSIS WITH RADIAL DEFECTS. Identifiers: Orphanet 1225, MedGen C0265308, MONDO:0009039, OMIM 218600.

Allele frequency attached by ClinVar (database versions not stated): gnomAD exomes 0.00006; ExAC 0.00009; gnomAD 0.00023 and 0.00027; TOPMed 0.00030; ESP Exome Variant Server 0.00048.
gnomAD v4.1: 54 of 1,612,692 alleles (0.0033%); highest among the groups gnomAD compares: African/African-American, 0.063%; no homozygotes.

Submissions (3):

Labcorp Genetics (formerly Invitae), Labcorp
Classification: Likely benign for Baller-Gerold syndrome. Last evaluated: 2026-01-26. Review status: criteria provided, single submitter. Criteria: Invitae Variant Classification Sherloc (09022015). Collection method: clinical testing. Allele origin: germline.

CeGaT Center for Human Genetics Tuebingen
Classification: Likely benign. Last evaluated: 2025-10-01. Review status: criteria provided, single submitter. Criteria: CeGaT Center For Human Genetics Tuebingen Variant Classification Criteria Version 2. Collection method: clinical testing. Allele origin: germline. Affected: yes. Observed: 1 variant allele.
Comment: RECQL4: BP4, BP7

Ambry Genetics
Classification: Likely benign for Inborn genetic diseases. Last evaluated: 2024-10-05. Review status: criteria provided, single submitter. Criteria: Ambry Variant Classification Scheme 2023. Collection method: clinical testing. Allele origin: germline.